The following is an entry in ClinVar:

ClinVar aggregate classification (germline): Uncertain significance (1 of 4 stars; one submission).

Allele frequency attached by ClinVar (database versions not stated): gnomAD 0.00001; ExAC 0.00002; TOPMed 0.00002.
gnomAD v4.1: 2 of 1,613,836 alleles (0.00012%); highest among the groups gnomAD compares: African/African-American, 0.0027%; no homozygotes.

Submission:

Labcorp Genetics (formerly Invitae), Labcorp
Classification: Uncertain significance. Last evaluated: 2022-08-21. Review status: criteria provided, single submitter. Criteria: Invitae Variant Classification Sherloc (09022015). Collection method: clinical testing. Allele origin: germline.
Comment: This variant is present in population databases (rs781646198, gnomAD 0.01%). In summary, the available evidence is currently insufficient to determine the role of this variant in disease. Therefore, it has been classified as a Variant of Uncertain Significance. Algorithms developed to predict the effect of missense changes on protein structure and function are either unavailable or do not agree on the potential impact of this missense change (SIFT: "Not Available"; PolyPhen-2: "Possibly Damaging"; Align-GVGD: "Not Available"). This variant has not been reported in the literature in individuals affected with TMPRSS15-related conditions. This sequence change replaces arginine, which is basic and polar, with glycine, which is neutral and non-polar, at codon 1006 of the TMPRSS15 protein (p.Arg1006Gly).

NM_002772.3(TMPRSS15):c.3016A>G (p.Arg1006Gly)

Gene: TMPRSS15 (transmembrane serine protease 15; minus strand). Cytogenetic location: 21q21.1.
Variant type: single nucleotide variant.
Coding change: c.3016A>G on transcript NM_002772.3 (MANE Select); coding-DNA position 3016, A replaced by G.
Protein change: p.Arg1006Gly; replaces arginine 1006 with glycine.
Molecular consequence: missense variant.
Genome position (GRCh38, 1-based): chr21:18,270,013, T>C on the plus strand (A>G on the coding strand, the complement: TMPRSS15 is on the minus strand). VCF-style: chr21-18270013-T-C. GRCh37 (hg19) VCF-style: chr21-19642330-T-C.
Other names: short protein forms R1006G.
Identifiers: ClinVar variation 1973483 (VCV001973483.5), dbSNP rs781646198, ClinGen allele CA9983836.
Genomic context (GRCh38, chr21:18,270,013, plus strand): 5'-TAGTTTAAGAAATGCGCTAATGTAGAAAACTTTGTATCCATTCGGTAAACCTTGAGACCC[T>C]GGCATACACTCCGGGGCGATTAGGCAGGGCACACTTGTATCCAAATGAGGTCACACCAGC-3'
Protein context (NP_002763.3, residues 996-1016): ALPNRPGVYA[Arg1006Gly]VSRFTEWIQS